The following is an entry in ClinVar:

NM_032119.4(ADGRV1):c.12349C>T (p.Arg4117Cys)

Gene: ADGRV1 (adhesion G protein-coupled receptor V1; plus strand). Cytogenetic location: 5q14.3.
Variant type: single nucleotide variant.
Coding change: c.12349C>T on transcript NM_032119.4 (MANE Select); coding-DNA position 12349, C replaced by T.
Protein change: p.Arg4117Cys; replaces arginine 4117 with cysteine.
Molecular consequence: missense variant. On other transcripts: non-coding transcript variant (1).
Genome position (GRCh38, 1-based): chr5:90,774,249, C>T. VCF-style: chr5-90774249-C-T. GRCh37 (hg19) VCF-style: chr5-90070066-C-T.
Other names: short protein forms R4117C.
Identifiers: ClinVar variation 198304 (VCV000198304.28), dbSNP rs138908576, ClinGen allele CA246872.

ClinVar aggregate classification (germline): Conflicting classifications of pathogenicity. Review status: criteria provided, conflicting classifications (1 of 4 stars). 11 submissions from 11 submitters: Uncertain significance (6); Likely benign (4). 1 of the submissions does not count toward it. Last evaluated 2026-01-26.

Conditions:
Usher syndrome type 2. Also called: Usher Syndrome Type II. Identifiers: Orphanet 231178, MedGen C0339534, MONDO:0016484.
Inborn genetic diseases. Identifiers: MedGen C0950123, MeSH D030342.
ADGRV1-related disorder. Also called: ADGRV1-related condition; ADGRV1-related disorders.
Usher syndrome type 2C. Also called: USHER SYNDROME, TYPE IIC; Usher syndrome, type 2B. Identifiers: Orphanet 231178, Orphanet 886, MedGen C2931213, MONDO:0011558, OMIM 605472.
Febrile seizures, familial, 4 (FEB4). Also called: CONVULSIONS, FAMILIAL FEBRILE, 4. Identifiers: MedGen C1858493, MONDO:0011443, OMIM 604352.

Allele frequency attached by ClinVar (database versions not stated): gnomAD exomes 0.00009 and 0.00028; 1000 Genomes Project 0.00020; gnomAD 0.00020 and 0.00021; ExAC 0.00027; TOPMed 0.00029; 1000 Genomes Project 30x 0.00031; ESP Exome Variant Server 0.00033.
gnomAD v4.1: 221 of 1,610,606 alleles (0.014%); highest among the groups gnomAD compares: East Asian, 0.16%; 3 homozygotes.

Submissions (11):

Labcorp Genetics (formerly Invitae), Labcorp
Classification: Likely benign. Last evaluated: 2026-01-26. Review status: criteria provided, single submitter. Criteria: Invitae Variant Classification Sherloc (09022015). Collection method: clinical testing. Allele origin: germline.

Blueprint Genetics
Classification: Likely benign. Last evaluated: 2024-06-18. Review status: criteria provided, single submitter. Criteria: ACMG Guidelines, 2015. Collection method: clinical testing. Allele origin: germline.

Ambry Genetics
Classification: Likely benign for Inborn genetic diseases. Last evaluated: 2024-03-15. Review status: criteria provided, single submitter. Criteria: Ambry Variant Classification Scheme 2023. Collection method: clinical testing. Allele origin: germline.

Department of Pathology and Laboratory Medicine, Sinai Health System
Classification: Uncertain significance for Usher syndrome type 2. Last evaluated: 2023-12-19. Review status: criteria provided, single submitter. Criteria: ACMG Guidelines, 2015. Collection method: research. Allele origin: germline.

Ocular Genomics Institute, Massachusetts Eye and Ear
Classification: Uncertain significance for Usher syndrome type 2C. Last evaluated: 2021-04-08. Review status: criteria provided, single submitter. Criteria: ACMG Guidelines, 2015. Collection method: research. Allele origin: germline. Affected: yes.
Comment: Through a review of available evidence we were able to apply the following criteria: PM2. Based on this evidence we have classified this variant as Variant of Uncertain Significance.

GeneDx
Classification: Likely benign. Last evaluated: 2020-12-15. Review status: criteria provided, single submitter. Criteria: GeneDx Variant Classification Process June 2021. Collection method: clinical testing. Allele origin: germline. Affected: yes.

Fulgent Genetics
Classification: Uncertain significance for Febrile seizures, familial, 4; Usher syndrome type 2C. Last evaluated: 2018-10-31. Review status: criteria provided, single submitter. Criteria: ACMG Guidelines, 2015. Collection method: clinical testing. Allele origin: unknown.

Illumina Laboratory Services, Illumina
Classification: Uncertain significance for Usher syndrome type 2C. Last evaluated: 2018-01-13. Review status: criteria provided, single submitter. Criteria: ICSL Variant Classification Criteria 13 December 2019. Collection method: clinical testing. Allele origin: germline.

Athena Diagnostics
Classification: Uncertain significance. Last evaluated: 2017-09-26. Review status: criteria provided, single submitter. Criteria: Athena Diagnostics Criteria. Collection method: clinical testing. Allele origin: germline.

Eurofins Ntd Llc (ga)
Classification: Uncertain significance. Last evaluated: 2015-05-27. Review status: criteria provided, single submitter. Criteria: EGL Classification Definitions 2015. Collection method: clinical testing. Allele origin: germline. Observed: 1 variant allele, 1 heterozygote.

PreventionGenetics, part of Exact Sciences
Classification: Likely benign for ADGRV1-related condition. Last evaluated: 2023-03-02. Review status: no assertion criteria provided. Collection method: clinical testing. Allele origin: germline. Not counted in ClinVar's aggregate classification.
Comment: This variant is classified as likely benign based on ACMG/AMP sequence variant interpretation guidelines (Richards et al. 2015 PMID: 25741868, with internal and published modifications).